The following is an entry in ClinVar:

NM_000548.5(TSC2):c.4992C>T (p.Gly1664=)

Gene: TSC2 (TSC complex subunit 2; plus strand). Cytogenetic location: 16p13.3.
Variant type: single nucleotide variant.
Coding change: c.4992C>T on transcript NM_000548.5 (MANE Select); coding-DNA position 4992, C replaced by T.
Protein change: p.Gly1664=; no amino-acid change (glycine 1664 retained).
Molecular consequence: synonymous variant.
Genome position (GRCh38, 1-based): chr16:2,087,865, C>T. VCF-style: chr16-2087865-C-T. GRCh37 (hg19) VCF-style: chr16-2137866-C-T.
Other names: c.4791C>T, p.Gly1597= (NM_001077183.3); c.4923C>T, p.Gly1641= (NM_001114382.3); c.4683C>T, p.Gly1561= (NM_001318827.2); c.4647C>T, p.Gly1549= (NM_001318829.2); c.4260C>T, p.Gly1420= (NM_001318831.2); c.4824C>T, p.Gly1608= (NM_001318832.2); c.4794C>T, p.Gly1598= (NM_001363528.2); c.4860C>T, p.Gly1620= (NM_001370404.1); and 1 more.
Identifiers: ClinVar variation 515359 (VCV000515359.15), dbSNP rs145002269, ClinGen allele CA276758489.
Genomic context (GRCh38, chr16:2,087,865, plus strand): 5'-GAGATCAGCCTTCAGCACACGCTGTGTGCGGGGATGACCCTTTCTCTTGTCCGGGCAGGG[C>T]CAGTTCAACTTTGTCCACGTGATCGTCACCCCGCTGGACTACGAGTGCAACCTGGTGTCC-3'
Protein context (NP_000539.2, residues 1654-1674): GEDFKLGTIK[Gly1664=]QFNFVHVIVT

ClinVar aggregate classification (germline): Conflicting classifications of pathogenicity. Review status: criteria provided, conflicting classifications (1 of 4 stars). 6 submissions from 6 submitters: Uncertain significance (1); Benign (1); Likely benign (4). Last evaluated 2026-01-05.

Conditions:
Hereditary cancer-predisposing syndrome. Also called: Neoplastic Syndromes, Hereditary; Tumor predisposition; Hereditary Cancer Syndrome; Hereditary neoplastic syndrome. Identifiers: Orphanet 140162, MedGen C0027672, MeSH D009386, MONDO:0015356.
Tuberous sclerosis 2 (TSC2). Identifiers: Orphanet 805, MedGen C1860707, MONDO:0013199, OMIM 613254.

Allele frequency attached by ClinVar (database versions not stated): TOPMed 0.00001; ESP Exome Variant Server 0.00008.
gnomAD v4.1: 2 of 1,612,574 alleles (0.00012%); highest among the groups gnomAD compares: Non-Finnish European, 0.00017%; no homozygotes.

Submissions (6):

Labcorp Genetics (formerly Invitae), Labcorp
Classification: Likely benign for Tuberous sclerosis 2. Last evaluated: 2026-01-05. Review status: criteria provided, single submitter. Criteria: Invitae Variant Classification Sherloc (09022015). Collection method: clinical testing. Allele origin: germline.

Myriad Genetics, Inc.
Classification: Benign for Tuberous sclerosis 2. Last evaluated: 2025-06-05. Review status: criteria provided, single submitter. Criteria: Myriad Autosomal Dominant, Autosomal Recessive and X-Linked Classification Criteria (2023). Collection method: clinical testing. Allele origin: unknown.
Comment: This variant is considered benign. This variant is a silent/synonymous amino acid change and it is not expected to impact splicing.

Sema4
Classification: Uncertain significance for Hereditary cancer-predisposing syndrome. Last evaluated: 2022-03-17. Review status: criteria provided, single submitter. Criteria: Sema4 Curation Guidelines. Collection method: curation. Allele origin: germline.
Comment: The TSC2 c.4992C>T (p.G1664=) variant has not been reported in the literature to our knowledge. This variant is not reported in the population database Genome Aggregation Database (PMID: 32461654). The variant has been reported in ClinVar (Variation ID: 515359). In silico tools suggest this variant may create or strengthen a splice site, though these predictions have not been confirmed by transcriptional studies. The evidence is insufficient to meet ACMG/AMP criteria for classifying the variant as benign or pathogenic. Thus, the clinical significance of this variant is currently uncertain.

Genome-Nilou Lab
Classification: Likely benign for Tuberous sclerosis 2. Last evaluated: 2021-11-07. Review status: criteria provided, single submitter. Criteria: ACMG Guidelines, 2015. Collection method: clinical testing. Allele origin: germline. Affected: no.

Ambry Genetics
Classification: Likely benign for Hereditary cancer-predisposing syndrome. Last evaluated: 2021-05-05. Review status: criteria provided, single submitter. Criteria: Ambry Variant Classification Scheme 2023. Collection method: clinical testing. Allele origin: germline.

GeneDx
Classification: Likely benign. Last evaluated: 2018-02-15. Review status: criteria provided, single submitter. Criteria: GeneDx Variant Classification (06012015). Collection method: clinical testing. Allele origin: germline. Affected: yes.
Comment: This variant is considered likely benign or benign based on one or more of the following criteria: it is a conservative change, it occurs at a poorly conserved position in the protein, it is predicted to be benign by multiple in silico algorithms, and/or has population frequency not consistent with disease.